The following is an entry in ClinVar:

Conditions:
Breast-ovarian cancer, familial, susceptibility to, 1 (BROVCA1). Also called: BRCA1 Hereditary Breast and Ovarian Cancer; OVARIAN CANCER, SUSCEPTIBILITY TO. Identifiers: Orphanet 145, MedGen C2676676, MONDO:0011450, OMIM 604370. Disease mechanism: loss of function.

Submission:

Brotman Baty Institute, University of Washington
No classification provided (evidence only). Condition: Breast-ovarian cancer, familial 1. Review status: no classification provided. Collection method: in vitro. Allele origin: not applicable. Functional consequence: functionally_normal.
ClinVar note: "not provided" was previously submitted as the classification for the variant. However, the classification appeared to be based only on an observation of functional data so it was converted to no classification on 2025-07-30.

NM_007294.4(BRCA1):c.5193+23T>G

Gene: BRCA1 (BRCA1 DNA repair associated; minus strand). Cytogenetic location: 17q21.31.
Variant type: single nucleotide variant.
Coding change: c.5193+23T>G on transcript NM_007294.4 (MANE Select); 23 bases into the intron after coding-DNA position 5193, T replaced by G.
Molecular consequence: intron variant.
Genome position (GRCh38, 1-based): chr17:43,063,310, A>C on the plus strand (T>G on the coding strand, the complement: BRCA1 is on the minus strand). VCF-style: chr17-43063310-A-C. GRCh37 (hg19) VCF-style: chr17-41215327-A-C.
Other names: c.1740+23T>G (NM_001408458.1, NM_001408461.1, NM_001408464.1 and 7 more transcripts); c.4302+23T>G (NM_001407967.1); c.4812+23T>G (NM_001407959.1); c.4926+23T>G (NM_001407931.1, NM_001407932.1, NM_001407928.1 and 4 more transcripts); c.5049+23T>G (NM_001407747.1, NM_001407745.1, NM_001407737.1 and 21 more transcripts); c.4809+23T>G (NM_001407962.1, NM_001407960.1); c.1380+23T>G (NM_001408512.1); c.1503+23T>G (NM_001408510.1); and 72 more.
Identifiers: ClinVar variation 868150 (VCV000868150.3), dbSNP rs2051848700, ClinGen allele CA916079989.